The following is an entry in ClinVar:

ClinVar aggregate classification (germline): Uncertain significance (1 of 4 stars; one submission).

gnomAD v4.1: 18 of 1,608,664 alleles (0.0011%); highest among the groups gnomAD compares: Admixed American, 0.0017%; no homozygotes.

Submission:

Labcorp Genetics (formerly Invitae), Labcorp
Classification: Uncertain significance. Last evaluated: 2024-08-06. Review status: criteria provided, single submitter. Criteria: Invitae Variant Classification Sherloc (09022015). Collection method: clinical testing. Allele origin: germline.
Comment: This sequence change replaces tyrosine, which is neutral and polar, with cysteine, which is neutral and slightly polar, at codon 262 of the MMP9 protein (p.Tyr262Cys). This variant is present in population databases (rs148726595, gnomAD 0.004%). This variant has not been reported in the literature in individuals affected with MMP9-related conditions. Advanced modeling of protein sequence and biophysical properties (such as structural, functional, and spatial information, amino acid conservation, physicochemical variation, residue mobility, and thermodynamic stability) performed at Invitae indicates that this missense variant is not expected to disrupt MMP9 protein function with a negative predictive value of 80%. In summary, the available evidence is currently insufficient to determine the role of this variant in disease. Therefore, it has been classified as a Variant of Uncertain Significance.

NM_004994.3(MMP9):c.785A>G (p.Tyr262Cys)

Gene: MMP9 (matrix metallopeptidase 9; plus strand). Cytogenetic location: 20q13.12.
Variant type: single nucleotide variant.
Coding change: c.785A>G on transcript NM_004994.3 (MANE Select); coding-DNA position 785, A replaced by G.
Protein change: p.Tyr262Cys; replaces tyrosine 262 with cysteine.
Molecular consequence: missense variant.
Genome position (GRCh38, 1-based): chr20:46,011,278, A>G. VCF-style: chr20-46011278-A-G. GRCh37 (hg19) VCF-style: chr20-44639917-A-G.
Other names: short protein forms Y262C.
Identifiers: ClinVar variation 3609808 (VCV003609808.2).
Genomic context (GRCh38, chr20:46,011,278, plus strand): 5'-CTGCCTGCACCACCGACGGTCGCTCCGACGGCTTGCCCTGGTGCAGTACCACGGCCAACT[A>G]CGACACCGACGACCGGTTTGGCTTCTGCCCCAGCGAGAGTGAGTGAGGGGGCTCGCCGAG-3'
Protein context (NP_004985.2, residues 252-272): GLPWCSTTAN[Tyr262Cys]DTDDRFGFCP